The following is an entry in ClinVar:

NM_001079843.3(CASZ1):c.3797A>G (p.His1266Arg)

Gene: CASZ1 (castor zinc finger 1; minus strand). Cytogenetic location: 1p36.22.
Variant type: single nucleotide variant.
Coding change: c.3797A>G on transcript NM_001079843.3 (MANE Select); coding-DNA position 3797, A replaced by G.
Protein change: p.His1266Arg; replaces histidine 1266 with arginine.
Molecular consequence: missense variant.
Genome position (GRCh38, 1-based): chr1:10,644,988, T>C on the plus strand (A>G on the coding strand, the complement: CASZ1 is on the minus strand). VCF-style: chr1-10644988-T-C. GRCh37 (hg19) VCF-style: chr1-10705045-T-C.
Other names: short protein forms H1266R.
Identifiers: ClinVar variation 3251226 (VCV003251226.18), dbSNP rs2522049549.
Genomic context (GRCh38, chr1:10,644,988, plus strand): 5'-CACTCCTCGCGCTTGGTGAAGTATTTGAAGCCATTGGCTGCCCGCCGCTCCGCCTTCTCA[T>C]GCTTCTTGATGTGCCAGGGGAGCTTGGTGGTGATGTTGGTCACAAAATAGCAGCCGGTGC-3'
Protein context (NP_001073312.1, residues 1256-1276): TTKLPWHIKK[His1266Arg]EKAERRAANG

ClinVar aggregate classification (germline): Uncertain significance (1 of 4 stars; one submission).

Allele frequency attached by ClinVar (database versions not stated): gnomAD exomes below 0.00001.
gnomAD v4.1: 1 of 1,614,074 alleles (0.000062%); highest among the groups gnomAD compares: Non-Finnish European, 0.000085%; no homozygotes.

Submission:

CeGaT Center for Human Genetics Tuebingen
Classification: Uncertain significance. Last evaluated: 2024-07-01. Review status: criteria provided, single submitter. Criteria: CeGaT Center For Human Genetics Tuebingen Variant Classification Criteria Version 2. Collection method: clinical testing. Allele origin: germline. Affected: yes. Observed: 1 variant allele.
Comment: CASZ1: PM2